The following is an entry in ClinVar:

NM_152383.5(DIS3L2):c.890C>T (p.Ala297Val)

Gene: DIS3L2 (DIS3 like 3'-5' exoribonuclease 2; plus strand). Cytogenetic location: 2q37.1.
Variant type: single nucleotide variant.
Coding change: c.890C>T on transcript NM_152383.5 (MANE Select); coding-DNA position 890, C replaced by T.
Protein change: p.Ala297Val; replaces alanine 297 with valine.
Molecular consequence: missense variant. On other transcripts: non-coding transcript variant (1).
Genome position (GRCh38, 1-based): chr2:232,136,659, C>T. VCF-style: chr2-232136659-C-T. GRCh37 (hg19) VCF-style: chr2-233001369-C-T.
Other names: c.890C>T, p.Ala297Val (NM_001257281.2); short protein forms A297V.
Identifiers: ClinVar variation 1719964 (VCV001719964.5), dbSNP rs2469848720, ClinGen allele CA351153815.

ClinVar aggregate classification (germline): Uncertain significance (1 of 4 stars; one submission).

Conditions:
Perlman syndrome (PRLMNS). Identifiers: Orphanet 2849, MedGen C0796113, MONDO:0009965, OMIM 267000.

Submission:

Labcorp Genetics (formerly Invitae), Labcorp
Classification: Uncertain significance for Perlman syndrome. Last evaluated: 2023-01-08. Review status: criteria provided, single submitter. Criteria: Invitae Variant Classification Sherloc (09022015). Collection method: clinical testing. Allele origin: germline.
Comment: In summary, the available evidence is currently insufficient to determine the role of this variant in disease. Therefore, it has been classified as a Variant of Uncertain Significance. Advanced modeling of protein sequence and biophysical properties (such as structural, functional, and spatial information, amino acid conservation, physicochemical variation, residue mobility, and thermodynamic stability) performed at Invitae indicates that this missense variant is not expected to disrupt DIS3L2 protein function. ClinVar contains an entry for this variant (Variation ID: 1719964). This variant has not been reported in the literature in individuals affected with DIS3L2-related conditions. This variant is not present in population databases (gnomAD no frequency). This sequence change replaces alanine, which is neutral and non-polar, with valine, which is neutral and non-polar, at codon 297 of the DIS3L2 protein (p.Ala297Val).